The following is an entry in ClinVar:

NM_001863.5(COX6B1):c.179T>C (p.Val60Ala)

Gene: COX6B1 (cytochrome c oxidase subunit 6B1; plus strand). Cytogenetic location: 19q13.12.
Variant type: single nucleotide variant.
Coding change: c.179T>C on transcript NM_001863.5 (MANE Select); coding-DNA position 179, T replaced by C.
Protein change: p.Val60Ala; replaces valine 60 with alanine.
Molecular consequence: missense variant.
Genome position (GRCh38, 1-based): chr19:35,654,643, T>C. VCF-style: chr19-35654643-T-C. GRCh37 (hg19) VCF-style: chr19-36145545-T-C.
Other names: short protein forms V60A.
Identifiers: ClinVar variation 1902873 (VCV001902873.2), dbSNP rs1349570558, ClinGen allele CA405360792.
Genomic context (GRCh38, chr19:35,654,643, plus strand): 5'-GTCAGAAGGCAATGACCGCTAAAGGAGGCGATATCTCTGTGTGCGAATGGTACCAGCGTG[T>C]GTACCAGTCCCTCTGCCCCACATCCTGGGTATGTGCCTCCTGCCAGGGCCCTTGGGATGC-3'
Protein context (NP_001854.1, residues 50-70): DISVCEWYQR[Val60Ala]YQSLCPTSWV

ClinVar aggregate classification (germline): Uncertain significance (1 of 4 stars; one submission).

Allele frequency attached by ClinVar (database versions not stated): gnomAD 0.00001; gnomAD exomes 0.00001; TOPMed 0.00002.
gnomAD v4.1: 6 of 1,614,036 alleles (0.00037%); highest among the groups gnomAD compares: Non-Finnish European, 0.00051%; no homozygotes.

Submission:

Labcorp Genetics (formerly Invitae), Labcorp
Classification: Uncertain significance. Last evaluated: 2022-08-11. Review status: criteria provided, single submitter. Criteria: Invitae Variant Classification Sherloc (09022015). Collection method: clinical testing. Allele origin: germline.
Comment: This sequence change replaces valine, which is neutral and non-polar, with alanine, which is neutral and non-polar, at codon 60 of the COX6B1 protein (p.Val60Ala). This variant is present in population databases (no rsID available, gnomAD 0.0009%). This variant has not been reported in the literature in individuals affected with COX6B1-related conditions. Algorithms developed to predict the effect of missense changes on protein structure and function are either unavailable or do not agree on the potential impact of this missense change (SIFT: "Deleterious"; PolyPhen-2: "Possibly Damaging"; Align-GVGD: "Class C0"). In summary, the available evidence is currently insufficient to determine the role of this variant in disease. Therefore, it has been classified as a Variant of Uncertain Significance.